The following is an entry in ClinVar:

ClinVar aggregate classification (germline): Uncertain significance. Review status: criteria provided, multiple submitters, no conflicts (2 of 4 stars). 3 submissions from 3 submitters: Uncertain significance (3). Last evaluated 2026-10-14.

Conditions:
Inborn genetic diseases. Identifiers: MedGen C0950123, MeSH D030342.

gnomAD v4.1: 116 of 1,614,046 alleles (0.0072%); highest among the groups gnomAD compares: Middle Eastern, 0.016%; no homozygotes.

Submissions (3):

GeneDx
Classification: Uncertain significance. Last evaluated: 2026-10-14. Review status: criteria provided, single submitter. Criteria: GeneDx Variant Classification Process June 2021. Collection method: clinical testing. Allele origin: germline.
Comment: In silico analysis supports that this missense variant does not alter protein structure/function; Has not been previously published as pathogenic or benign to our knowledge

Ambry Genetics
Classification: Uncertain significance for Inborn genetic diseases. Last evaluated: 2025-03-05. Review status: criteria provided, single submitter. Criteria: Ambry Variant Classification Scheme 2023. Collection method: clinical testing. Allele origin: germline.

Labcorp Genetics (formerly Invitae), Labcorp
Classification: Uncertain significance. Last evaluated: 2024-10-08. Review status: criteria provided, single submitter. Criteria: Invitae Variant Classification Sherloc (09022015). Collection method: clinical testing. Allele origin: germline.
Comment: This sequence change replaces proline, which is neutral and non-polar, with threonine, which is neutral and polar, at codon 277 of the FKBP10 protein (p.Pro277Thr). This variant is present in population databases (rs138089753, gnomAD 0.01%). This variant has not been reported in the literature in individuals affected with FKBP10-related conditions. ClinVar contains an entry for this variant (Variation ID: 2060326). Invitae Evidence Modeling of protein sequence and biophysical properties (such as structural, functional, and spatial information, amino acid conservation, physicochemical variation, residue mobility, and thermodynamic stability) indicates that this missense variant is not expected to disrupt FKBP10 protein function with a negative predictive value of 80%. In summary, the available evidence is currently insufficient to determine the role of this variant in disease. Therefore, it has been classified as a Variant of Uncertain Significance.

NM_021939.4(FKBP10):c.829C>A (p.Pro277Thr)

Gene: FKBP10 (FKBP prolyl isomerase 10; plus strand). Cytogenetic location: 17q21.2.
Variant type: single nucleotide variant.
Coding change: c.829C>A on transcript NM_021939.4 (MANE Select); coding-DNA position 829, C replaced by A.
Protein change: p.Pro277Thr; replaces proline 277 with threonine.
Molecular consequence: missense variant.
Genome position (GRCh38, 1-based): chr17:41,819,311, C>A. VCF-style: chr17-41819311-C-A. GRCh37 (hg19) VCF-style: chr17-39975563-C-A.
Other names: short protein forms P277T.
Identifiers: ClinVar variation 2060326 (VCV002060326.7), dbSNP rs138089753, ClinGen allele CA8566377.